The following is an entry in ClinVar:

ClinVar aggregate classification (germline): Uncertain significance (1 of 4 stars; one submission).

gnomAD v4.1: 2 of 1,194,399 alleles (0.00017%); highest among the groups gnomAD compares: East Asian, 0.003%; no homozygotes.

Submission:

Labcorp Genetics (formerly Invitae), Labcorp
Classification: Uncertain significance. Last evaluated: 2024-12-10. Review status: criteria provided, single submitter. Criteria: Invitae Variant Classification Sherloc (09022015). Collection method: clinical testing. Allele origin: germline.
Comment: This sequence change replaces aspartic acid, which is acidic and polar, with glutamic acid, which is acidic and polar, at codon 1552 of the BRWD3 protein (p.Asp1552Glu). The frequency data for this variant in the population databases is considered unreliable, as metrics indicate poor data quality at this position in the gnomAD database. This variant has not been reported in the literature in individuals affected with BRWD3-related conditions. An algorithm developed to predict the effect of missense changes on protein structure and function (PolyPhen-2) suggests that this variant is likely to be tolerated. In summary, the available evidence is currently insufficient to determine the role of this variant in disease. Therefore, it has been classified as a Variant of Uncertain Significance.

NM_153252.5(BRWD3):c.4656T>A (p.Asp1552Glu)

Gene: BRWD3 (bromodomain and WD repeat domain containing 3; minus strand). Cytogenetic location: Xq21.1.
Variant type: single nucleotide variant.
Coding change: c.4656T>A on transcript NM_153252.5 (MANE Select); coding-DNA position 4656, T replaced by A.
Protein change: p.Asp1552Glu; replaces aspartic acid 1552 with glutamic acid.
Molecular consequence: missense variant.
Genome position (GRCh38, 1-based): chrX:80,677,362, A>T on the plus strand (T>A on the coding strand, the complement: BRWD3 is on the minus strand). VCF-style: chrX-80677362-A-T. GRCh37 (hg19) VCF-style: chrX-79932861-A-T.
Other names: short protein forms D1552E.
Identifiers: ClinVar variation 3632322 (VCV003632322.2).